The following is an entry in ClinVar:

ClinVar aggregate classification (germline): Uncertain significance. Review status: criteria provided, single submitter (1 of 4 stars). 2 submissions from 2 submitters: Uncertain significance (1). 1 of the submissions does not count toward it. Last evaluated 2025-11-11.

Allele frequency attached by ClinVar (database versions not stated): TOPMed 0.00003.
gnomAD v4.1: 21 of 1,551,698 alleles (0.0014%); highest among the groups gnomAD compares: East Asian, 0.034%; no homozygotes.

Submissions (2):

Labcorp Genetics (formerly Invitae), Labcorp
Classification: Uncertain significance. Last evaluated: 2025-11-11. Review status: criteria provided, single submitter. Criteria: Invitae Variant Classification Sherloc (09022015). Collection method: clinical testing. Allele origin: germline.
Comment: This sequence change replaces glycine, which is neutral and non-polar, with alanine, which is neutral and non-polar, at codon 1606 of the TET2 protein (p.Gly1606Ala). This variant is not present in population databases (gnomAD no frequency). This variant has not been reported in the literature in individuals affected with TET2-related conditions. ClinVar contains an entry for this variant (Variation ID: 135295). An algorithm developed to predict the effect of missense changes on protein structure and function outputs the following: PolyPhen-2: "Benign". The alanine amino acid residue is found in multiple mammalian species, which suggests that this missense change does not adversely affect protein function. In summary, the available evidence is currently insufficient to determine the role of this variant in disease. Therefore, it has been classified as a Variant of Uncertain Significance.

ITMI
No classification provided. Condition: AllHighlyPenetrant. Last evaluated: 2013-09-19. Review status: no classification provided. Collection method: reference population. Allele origin: germline. Not counted in ClinVar's aggregate classification.
Comment: Please see associated publication for description of ethnicities

Literature cited by the submitters: PubMed 24728327 (cited by ITMI).

NM_001127208.3(TET2):c.4817G>C (p.Gly1606Ala)

Genes: TET2 (tet methylcytosine dioxygenase 2; plus strand), TET2-AS1 (TET2 antisense RNA 1; minus strand). Cytogenetic location: 4q24.
Variant type: single nucleotide variant.
Coding change: c.4817G>C on transcript NM_001127208.3 (MANE Select); coding-DNA position 4817, G replaced by C.
Protein change: p.Gly1606Ala; replaces glycine 1606 with alanine.
Molecular consequence: missense variant.
Genome position (GRCh38, 1-based): chr4:105,275,327, G>C. VCF-style: chr4-105275327-G-C. GRCh37 (hg19) VCF-style: chr4-106196484-G-C.
Other names: short protein forms G1606A.
Identifiers: ClinVar variation 135295 (VCV000135295.4), dbSNP rs587778702, ClinGen allele CA162252.
Genomic context (GRCh38, chr4:105,275,327, plus strand): 5'-CAGATATCTATGGAAGCACCAGCCCTATGAACTTCTATTCCACCTCATCTCAAGCTGCAG[G>C]TTCATATTTGAATTCTTCTAATCCCATGAACCCTTACCCTGGGCTTTTGAATCAGAATAC-3'
Protein context (NP_001120680.1, residues 1596-1616): NFYSTSSQAA[Gly1606Ala]SYLNSSNPMN